The following is an entry in ClinVar:

ClinVar aggregate classification (germline): Uncertain significance. Review status: criteria provided, multiple submitters, no conflicts (2 of 4 stars). 2 submissions from 2 submitters: Uncertain significance (2). Last evaluated 2026-03-27.

Conditions:
Cardiovascular phenotype. Identifiers: MedGen CN230736.

Allele frequency attached by ClinVar (database versions not stated): TOPMed 0.00001.
gnomAD v4.1: 2 of 1,613,152 alleles (0.00012%); highest among the groups gnomAD compares: African/African-American, 0.0013%; no homozygotes.

Submissions (2):

GeneDx
Classification: Uncertain significance. Last evaluated: 2026-03-27. Review status: criteria provided, single submitter. Criteria: GeneDx Variant Classification Process June 2021. Collection method: clinical testing. Allele origin: germline.
Comment: Not observed at significant frequency in large population cohorts (gnomAD); Missense variant in a gene in which most reported pathogenic variants are truncating/loss of function; Has not been previously published as pathogenic or benign to our knowledge

Ambry Genetics
Classification: Uncertain significance for Cardiovascular phenotype. Last evaluated: 2019-08-24. Review status: criteria provided, single submitter. Criteria: Ambry Variant Classification Scheme 2023. Collection method: clinical testing. Allele origin: germline.
Comment: The p.R20072K variant (also known as c.60215G>A), located in coding exon 155 of the TTN gene, results from a G to A substitution at nucleotide position 60215. The arginine at codon 20072 is replaced by lysine, an amino acid with highly similar properties. This amino acid position is highly conserved in available vertebrate species. In addition, this alteration is predicted to be tolerated by in silico analysis. Since supporting evidence is limited at this time, the clinical significance of this alteration remains unclear.

NM_001267550.2(TTN):c.87410G>A (p.Arg29137Lys)

Genes: TTN (titin; minus strand), TTN-AS1 (TTN antisense RNA 1; plus strand). Cytogenetic location: 2q31.2.
Variant type: single nucleotide variant.
Coding change: c.87410G>A on transcript NM_001267550.2 (MANE Select); coding-DNA position 87410, G replaced by A.
Protein change: p.Arg29137Lys; replaces arginine 29137 with lysine.
Molecular consequence: missense variant.
Genome position (GRCh38, 1-based): chr2:178,557,944, C>T on the plus strand (G>A on the coding strand, the complement: TTN is on the minus strand). VCF-style: chr2-178557944-C-T. GRCh37 (hg19) VCF-style: chr2-179422671-C-T.
Other names: c.82487G>A, p.Arg27496Lys (NM_001256850.1); c.60215G>A, p.Arg20072Lys (NM_003319.4); c.79706G>A, p.Arg26569Lys (NM_133378.4); c.60590G>A, p.Arg20197Lys (NM_133432.3); c.60791G>A, p.Arg20264Lys (NM_133437.4); short protein forms R20072K, R27496K, R20264K, R26569K, R20197K, R29137K.
Identifiers: ClinVar variation 1751131 (VCV001751131.3), dbSNP rs1210340832, ClinGen allele CA349536642.